The following is an entry in ClinVar:

NM_024079.5(ALG8):c.136A>G (p.Ile46Val)

Gene: ALG8 (ALG8 alpha-1,3-glucosyltransferase; minus strand). Cytogenetic location: 11q14.1.
Variant type: single nucleotide variant.
Coding change: c.136A>G on transcript NM_024079.5 (MANE Select); coding-DNA position 136, A replaced by G.
Protein change: p.Ile46Val; replaces isoleucine 46 with valine.
Molecular consequence: missense variant.
Genome position (GRCh38, 1-based): chr11:78,127,396, T>C on the plus strand (A>G on the coding strand, the complement: ALG8 is on the minus strand). VCF-style: chr11-78127396-T-C. GRCh37 (hg19) VCF-style: chr11-77838442-T-C.
Other names: c.136A>G, p.Ile46Val (NM_001007027.3); short protein forms I46V.
Identifiers: ClinVar variation 1969006 (VCV001969006.6), dbSNP rs778145721, ClinGen allele CA6203574.

ClinVar aggregate classification (germline): Uncertain significance. Review status: criteria provided, multiple submitters, no conflicts (2 of 4 stars). 2 submissions from 2 submitters: Uncertain significance (2). Last evaluated 2024-10-17.

Conditions:
ALG8 congenital disorder of glycosylation. Also called: CONGENITAL DISORDER OF GLYCOSYLATION, TYPE Ih; CDG Ih; ALG8-CDG. Identifiers: Orphanet 79325, MedGen C2931002, MONDO:0011969, OMIM 608104.
Polycystic liver disease 3 with or without kidney cysts. Identifiers: MedGen C4693472, MONDO:0054743, OMIM 617874.

Allele frequency attached by ClinVar (database versions not stated): TOPMed below 0.00001; gnomAD exomes 0.00001; ExAC 0.00002.
gnomAD v4.1: 9 of 1,613,886 alleles (0.00056%); highest among the groups gnomAD compares: Admixed American, 0.0017%; no homozygotes.

Submissions (2):

Labcorp Genetics (formerly Invitae), Labcorp
Classification: Uncertain significance for ALG8 congenital disorder of glycosylation. Last evaluated: 2024-10-17. Review status: criteria provided, single submitter. Criteria: Invitae Variant Classification Sherloc (09022015). Collection method: clinical testing. Allele origin: germline.
Comment: This sequence change replaces isoleucine, which is neutral and non-polar, with valine, which is neutral and non-polar, at codon 46 of the ALG8 protein (p.Ile46Val). This variant is present in population databases (rs778145721, gnomAD 0.003%). This variant has not been reported in the literature in individuals affected with ALG8-related conditions. ClinVar contains an entry for this variant (Variation ID: 1969006). Invitae Evidence Modeling of protein sequence and biophysical properties (such as structural, functional, and spatial information, amino acid conservation, physicochemical variation, residue mobility, and thermodynamic stability) indicates that this missense variant is not expected to disrupt ALG8 protein function with a negative predictive value of 80%. In summary, the available evidence is currently insufficient to determine the role of this variant in disease. Therefore, it has been classified as a Variant of Uncertain Significance.

Fulgent Genetics
Classification: Uncertain significance for ALG8 congenital disorder of glycosylation; Polycystic liver disease 3 with or without kidney cysts. Last evaluated: 2024-03-29. Review status: criteria provided, single submitter. Criteria: ACMG Guidelines, 2015. Collection method: clinical testing. Allele origin: germline.